The following is an entry in ClinVar:

ClinVar aggregate classification (germline): Uncertain significance (1 of 4 stars; one submission).

Submission:

Labcorp Genetics (formerly Invitae), Labcorp
Classification: Uncertain significance. Last evaluated: 2022-07-24. Review status: criteria provided, single submitter. Criteria: Invitae Variant Classification Sherloc (09022015). Collection method: clinical testing. Allele origin: germline.
Comment: This sequence change replaces aspartic acid, which is acidic and polar, with glycine, which is neutral and non-polar, at codon 552 of the FBXL4 protein (p.Asp552Gly). In summary, the available evidence is currently insufficient to determine the role of this variant in disease. Therefore, it has been classified as a Variant of Uncertain Significance. Advanced modeling of protein sequence and biophysical properties (such as structural, functional, and spatial information, amino acid conservation, physicochemical variation, residue mobility, and thermodynamic stability) performed at Invitae indicates that this missense variant is not expected to disrupt FBXL4 protein function. This variant has not been reported in the literature in individuals affected with FBXL4-related conditions. This variant is not present in population databases (gnomAD no frequency).

NM_001278716.2(FBXL4):c.1655A>G (p.Asp552Gly)

Gene: FBXL4 (F-box and leucine rich repeat protein 4; minus strand). Cytogenetic location: 6q16.1.
Variant type: single nucleotide variant.
Coding change: c.1655A>G on transcript NM_001278716.2 (MANE Select); coding-DNA position 1655, A replaced by G.
Protein change: p.Asp552Gly; replaces aspartic acid 552 with glycine.
Molecular consequence: missense variant. On other transcripts: non-coding transcript variant (1).
Genome position (GRCh38, 1-based): chr6:98,875,462, T>C on the plus strand (A>G on the coding strand, the complement: FBXL4 is on the minus strand). VCF-style: chr6-98875462-T-C. GRCh37 (hg19) VCF-style: chr6-99323338-T-C.
Other names: c.1655A>G, p.Asp552Gly (NM_012160.5); short protein forms D552G.
Identifiers: ClinVar variation 1942566 (VCV001942566.5), dbSNP rs1562213820, ClinGen allele CA365086439.